The following is an entry in ClinVar:

NM_005271.5(GLUD1):c.1493C>T (p.Ser498Leu)

Gene: GLUD1 (glutamate dehydrogenase 1; minus strand). Cytogenetic location: 10q23.2.
Variant type: single nucleotide variant.
Coding change: c.1493C>T on transcript NM_005271.5 (MANE Select); coding-DNA position 1493, C replaced by T.
Protein change: p.Ser498Leu; replaces serine 498 with leucine.
Molecular consequence: missense variant.
Genome position (GRCh38, 1-based): chr10:87,057,692, G>A on the plus strand (C>T on the coding strand, the complement: GLUD1 is on the minus strand). VCF-style: chr10-87057692-G-A. GRCh37 (hg19) VCF-style: chr10-88817449-G-A.
Other names: S445L; p.S498L:TCG>TTG; c.1094C>T, p.Ser365Leu (NM_001318900.1); c.992C>T, p.Ser331Leu (NM_001318901.1, NM_001318902.1, NM_001318904.2 and 2 more transcripts); short protein forms S498L, S331L, S365L.
Identifiers: ClinVar variation 16122 (VCV000016122.26), dbSNP rs121909731, ClinGen allele CA257424.

ClinVar aggregate classification (germline): Pathogenic. Review status: criteria provided, multiple submitters, no conflicts (2 of 4 stars). 10 submissions from 10 submitters: Pathogenic (7). 3 of the submissions do not count toward it. Last evaluated 2026-04-04.

Conditions:
GLUD1-related disorders.
Hyperinsulinism-hyperammonemia syndrome (HHF6). Identifiers: Orphanet 35878, MedGen C1847555, MONDO:0011717, OMIM 606762.

Submissions (10):

Dasa
Classification: Pathogenic. Last evaluated: 2026-04-04. Review status: criteria provided, single submitter. Criteria: DASA Assertion Criteria. Collection method: clinical testing. Allele origin: germline.
Comment: NM_005271.5(GLUD1):c.1493C>T (p.Ser498Leu) is a missense variant that results in the substitution of serine with leucine. Functional evidence supports a deleterious effect on the gene or gene product (PMID: 28165182; PMID: 9571255; PMID: 26759084; PMID: 10636977; PMID: 19046187). This variant has been recurrently observed in individuals with related phenotype (PMID: 28165182; PMID: 9571255; PMID: 26759084; PMID: 10636977; PMID: 19046187). Multiple computational predictions support a deleterious effect on the gene or gene product. Based on the available data, this variant is classified as pathogenic.

OLLIN Analises Genomicas, OLLIN
Classification: Pathogenic for Hyperinsulinism-hyperammonemia syndrome. Last evaluated: 2024-11-29. Review status: criteria provided, single submitter. Criteria: ACMG Guidelines 2015 PMID 25741868. Collection method: clinical testing. Allele origin: germline. Affected: yes. Observed: 1 variant allele.
Comment: The missense variant (chr10:87057692 G>A), located in exon 11 (of 13), absent in gnomAD v4.1 non-UKB, is reported in ClinVar (VCV000016122.23) and in the scientific literature in individuals with hyperinsulinism-hyperammonemia syndrome, having been observed de novo in one patient (PMID: 9571255, 23869231, 25008049, 27188453, 28165182, 26759084). This gene shows low tolerance to missense variantion, and in silico analysis predicts a deleterious effect on the protein function. According to currently available evidence, this variant has been classified as pathogenic (PS2, PS4, PM2_P, PP2, PP3).

Labcorp Genetics (formerly Invitae), Labcorp
Classification: Pathogenic for Hyperinsulinism-hyperammonemia syndrome. Last evaluated: 2023-10-30. Review status: criteria provided, single submitter. Criteria: Invitae Variant Classification Sherloc (09022015). Collection method: clinical testing. Allele origin: germline.
Comment: This sequence change replaces serine, which is neutral and polar, with leucine, which is neutral and non-polar, at codon 498 of the GLUD1 protein (p.Ser498Leu). This variant is not present in population databases (gnomAD no frequency). This missense change has been observed in individual(s) with GLUD1-related conditions (PMID: 9571255, 23869231, 25008049, 26759084, 27188453, 28165182). In at least one individual the variant was observed to be de novo. This variant is also known as c.1506C>T (p.Ser445Leu). ClinVar contains an entry for this variant (Variation ID: 16122). An algorithm developed to predict the effect of missense changes on protein structure and function (PolyPhen-2) suggests that this variant is likely to be tolerated. For these reasons, this variant has been classified as Pathogenic.

Illumina Laboratory Services, Illumina
Classification: Pathogenic for Hyperinsulinism-hyperammonemia syndrome. Last evaluated: 2023-06-09. Review status: criteria provided, single submitter. Criteria: ICSLVariantClassificationCriteria RUGD 01 April 2020. Collection method: clinical testing. Allele origin: unknown.
Comment: The GLUD1 c.1493C>T (p.Ser498Leu) missense variant, which is also known as p.Ser445Leu, is located in the allosteric domain of glutamate dehydrogenase 1. Across a selection of the peer-reviewed literature, the variant has been reported in at least six unrelated individuals with hyperinsulinism-hyperammonemia syndrome, including in a de novo state (PMID: 9571255; 19046187; 19344873; 26759084; 28165182). Lymphoblasts from patients showed impaired inhibition of glutamate dehydrogenase by GTP. This variant is not observed in version 2.1.1 or version 3.1.2 of the Genome Aggregation Database. Multiple lines of computational evidence suggest the p.Ser498Leu variant may impact the gene or gene product, and functional studies in HEK293T cells have shown that this variant leads to a gain in enzyme function by reducing the sensitivity of glutamate dehydrogenase to inhibition by GTP (PMID: 28165182). This variant has been classified as pathogenic by at least three submitters in ClinVar. Based on the available evidence, the c.1493C>T (p.Ser498Leu) variant is classified as pathogenic for hyperinsulinism-hyperammonemia syndrome.

Blueprint Genetics
Classification: Pathogenic for GLUD1-related disorders. Last evaluated: 2022-04-08. Review status: criteria provided, single submitter. Criteria: ACMG Guidelines, 2015. Collection method: clinical testing. Allele origin: germline. Affected: yes. Observed: 2 variant alleles.

GeneDx
Classification: Pathogenic. Last evaluated: 2022-04-01. Review status: criteria provided, single submitter. Criteria: GeneDx Variant Classification Process June 2021. Collection method: clinical testing. Allele origin: germline. Affected: yes.
Comment: Not observed in large population cohorts (gnomAD); In silico analysis supports that this missense variant has a deleterious effect on protein structure/function; Published in vitro functional studies demonstrate reduced sensitivity to GTP inhibition (Barrosse-Antle et al., 2017); This variant is associated with the following publications: (PMID: 26759084, 28165182, 25008049, 9571255, 28135719, 31119523, 27188453, 10636977, 30306091, 30098243, 23869231, 26758964, 31785789)

Neuberg Centre For Genomic Medicine, NCGM
Classification: Pathogenic for Hyperinsulinism-hyperammonemia syndrome. Review status: criteria provided, single submitter. Criteria: ACMG Guidelines, 2015. Collection method: clinical testing. Allele origin: germline. Affected: yes.
Comment: The missense variant c.1493C>T(p.Ser498Leu) in GLUD1 gene has been reported in the literature in individuals with GLUD1-related conditions and has been observed to be de novo in multiple individuals affected with GLUD1-related conditions (Sarajlija A et.al.,2016). This variant has been reported to the ClinVar database as Pathogenic. The p.Ser498Leu variant is novel (not in any individuals) in gnomAD Exomes and 1000 Genomes. The amino acid Ser at position 498 is changed to a Leu changing protein sequence and it might alter its composition and physico-chemical properties. In silico tools predict the variant to be tolerated. The residue is conserved across species. The amino acid change p.Ser498Leu in GLUD1 is predicted as conserved by GERP++ and PhyloP across 100 vertebrates. For these reasons, this variant has been classified as Pathogenic .

Genetic Services Laboratory, University of Chicago
Classification: Pathogenic for Hyperinsulinism-hyperammonemia syndrome. Last evaluated: 2019-04-03. Review status: no assertion criteria provided. Collection method: clinical testing. Allele origin: germline. Affected: yes. Not counted in ClinVar's aggregate classification.
Comment: DNA sequence analysis of the GLUD1 gene demonstrated a sequence change, c.1493C>T, in exon 11 that results in an amino acid change, p.Ser498Leu. This sequence change is absent from population databases such as ExAC and gnomAD, and it affects a moderately conserved amino acid residue located in a domain of the GLUD1 protein that is known to be functional. This sequence change has previously been identified in patients with hyperinsulinism-hyperammonemia syndrome (named as p.Ser445Leu) in the de-novo state (Stanley et al,1998). In the affected patients, glutamate dehydrogenase had reduced sensitivity to inhibition by GTP (Stanley et al,1998).

OMIM
Classification: Pathogenic for HYPERINSULINEMIC HYPOGLYCEMIA, FAMILIAL, 6. Last evaluated: 2000-01-01. Review status: no assertion criteria provided. Collection method: literature only. Allele origin: germline. Not counted in ClinVar's aggregate classification.

Genomic Medicine Center of Excellence, King Faisal Specialist Hospital and Research Centre
Classification: Uncertain significance for Hyperinsulinism-hyperammonemia syndrome. Last evaluated: 2024-03-26. Review status: flagged submission. Criteria: ACMG Guidelines, 2015. Collection method: clinical testing. Allele origin: germline. Not counted in ClinVar's aggregate classification.
ClinVar note: Reason: Outlier claim with insufficient supporting evidence

Literature cited by the submitters: PubMed 28165182 (cited by 4 submitters); PubMed 9571255 (cited by 4 submitters); PubMed 26759084 (cited by 4 submitters); PubMed 10636977 (cited by Dasa and OMIM); PubMed 19046187 (cited by Dasa and Illumina Laboratory Services, Illumina); PubMed 23869231 (cited by OLLIN Analises Genomicas, OLLIN and Labcorp Genetics (formerly Invitae), Labcorp); PubMed 25008049 (cited by OLLIN Analises Genomicas, OLLIN and Labcorp Genetics (formerly Invitae), Labcorp); PubMed 27188453 (cited by OLLIN Analises Genomicas, OLLIN and Labcorp Genetics (formerly Invitae), Labcorp); PubMed 19344873 (cited by Illumina Laboratory Services, Illumina); Stanley, C. A., Lieu, Y., Hsu, B., Poncz, M. Hypoglycemia in infants with hyperinsulinism and hyperammonemia: gain of function mutations in the pathway of leucine-mediated insulin secretion. (Abstract) Diabetes 46 (suppl. 1): 217A-only, 1997. (cited by OMIM).